The following is an entry in ClinVar:

ClinVar aggregate classification (germline): Likely benign. Review status: reviewed by expert panel (3 of 4 stars). 4 submissions from 4 submitters: Likely benign (1). 3 of the submissions do not count toward it. Last evaluated 2024-04-18.

Conditions:
Inborn genetic diseases. Identifiers: MedGen C0950123, MeSH D030342.
Christianson syndrome (MRXSCH). Also called: SLC9A6-Related Syndromic Mental Retardation; INTELLECTUAL DEVELOPMENTAL DISORDER, X-LINKED, SYNDROMIC, CHRISTIANSON TYPE; X-linked mental retardation, syndromic, Christianson type. Identifiers: Orphanet 85278, MedGen C2678194, MONDO:0010278, OMIM 300243.

Allele frequency attached by ClinVar (database versions not stated): TOPMed 0.00002; gnomAD exomes 0.00001 and 0.00002.
gnomAD v4.1: 20 of 1,147,724 alleles (0.0017%); highest among the groups gnomAD compares: Admixed American, 0.0029%; no homozygotes.

Submissions (4):

ClinGen Rett and Angelman-like Disorders Variant Curation Expert Panel
Classification: Likely benign for Christianson syndrome. Last evaluated: 2024-04-18. Review status: reviewed by expert panel. Criteria: ClinGen RettAS ACMG Specifications SLC9A6 V3.0.0. Collection method: curation. Allele origin: germline. Inheritance: X-linked inheritance.
Comment: The p.His171Leu variant in SLC9A6 (NM_006359.2) is present in 14 XX and 6 XY individual(s) in gnomAD v4.0 (0.002%) (not sufficient to meet BS1 criteria). The p.His171Leu variant is observed in at least 2 unaffected individuals (GeneDx internal database) (BS2). The p.His171Leu variant is found in a patient with an alternate molecular basis of disease (GeneDx internal database) (BP5). In summary, the p.His171Leu variant in SLC9A6 is classified as likely benign based on the ACMG/AMP criteria (BS2, BP5).

Ambry Genetics
Classification: Uncertain significance for Inborn genetic diseases. Last evaluated: 2026-06-17. Review status: criteria provided, single submitter. Criteria: Ambry Variant Classification Scheme 2023. Collection method: clinical testing. Allele origin: germline. Not counted in ClinVar's aggregate classification.

Labcorp Genetics (formerly Invitae), Labcorp
Classification: Uncertain significance for Christianson syndrome. Last evaluated: 2025-02-26. Review status: criteria provided, single submitter. Criteria: Invitae Variant Classification Sherloc (09022015). Collection method: clinical testing. Allele origin: germline. Not counted in ClinVar's aggregate classification.
Comment: This sequence change replaces histidine, which is basic and polar, with leucine, which is neutral and non-polar, at codon 171 of the SLC9A6 protein (p.His171Leu). The frequency data for this variant in the population databases is considered unreliable, as metrics indicate poor data quality at this position in the gnomAD database. This variant has not been reported in the literature in individuals affected with SLC9A6-related conditions. ClinVar contains an entry for this variant (Variation ID: 207233). Invitae Evidence Modeling of protein sequence and biophysical properties (such as structural, functional, and spatial information, amino acid conservation, physicochemical variation, residue mobility, and thermodynamic stability) indicates that this missense variant is not expected to disrupt SLC9A6 protein function with a negative predictive value of 80%. In summary, the available evidence is currently insufficient to determine the role of this variant in disease. Therefore, it has been classified as a Variant of Uncertain Significance.

GeneDx
Classification: Likely benign. Last evaluated: 2013-10-23. Review status: criteria provided, single submitter. Criteria: GeneDx Variant Classification (06012015). Collection method: clinical testing. Allele origin: germline. Affected: yes. Not counted in ClinVar's aggregate classification.
Comment: This variant is considered likely benign or benign based on one or more of the following criteria: it is a conservative change, it occurs at a poorly conserved position in the protein, it is predicted to be benign by multiple in silico algorithms, and/or has population frequency not consistent with disease.

NM_001379110.1(SLC9A6):c.452A>T (p.His151Leu)

Gene: SLC9A6 (solute carrier family 9 member A6; plus strand). Cytogenetic location: Xq26.3.
Variant type: single nucleotide variant.
Coding change: c.452A>T on transcript NM_001379110.1 (MANE Select); coding-DNA position 452, A replaced by T.
Protein change: p.His151Leu; replaces histidine 151 with leucine.
Molecular consequence: missense variant.
Genome position (GRCh38, 1-based): chrX:135,998,486, A>T. VCF-style: chrX-135998486-A-T. GRCh37 (hg19) VCF-style: chrX-135080645-A-T.
Other names: p.H171L:CAT>CTT; NM_001379110.1(SLC9A6):c.452A>T; p.His151Leu; c.608A>T, p.His203Leu (NM_001042537.2); c.452A>T, p.His151Leu (NM_001177651.2); c.356A>T, p.His119Leu (NM_001330652.2); c.512A>T, p.His171Leu (NM_006359.3); short protein forms H171L, H203L, H151L, H119L.
Identifiers: ClinVar variation 207233 (VCV000207233.13), dbSNP rs796053275, ClinGen allele CA318501.